The following is an entry in ClinVar:

NM_000051.4(ATM):c.8584+9_8584+11del

Genes: ATM (ATM serine/threonine kinase; plus strand), C11orf65 (chromosome 11 open reading frame 65; minus strand). Cytogenetic location: 11q22.3.
Variant type: Microsatellite.
Coding change: c.8584+9_8584+11del on transcript NM_000051.4 (MANE Select); bases 9 to 11 of the intron after coding-DNA position 8584, 3 bases deleted (CTT; older notation c.8584+9_8584+11delCTT).
Molecular consequence: intron variant.
Genome position (GRCh38, 1-based): chr11:108,345,917-108,345,919, CTT deleted; deleting any 3 consecutive bases within chr11:108,345,913-108,345,919 gives the same sequence; the c. name uses the placement nearest the transcript's 3' end. VCF-style (leftmost placement, unchanged base first): chr11-108345912-ATCT-A. GRCh37 (hg19) VCF-style: chr11-108216639-ATCT-A.
Other names: c.8584+9_8584+11del (NM_001351834.2); c.641-36844_641-36842del (NM_001330368.2); c.695-10623_695-10621del (NM_001351110.2); c.8584+9_8584+11delCTT (NM_000051.3, NM_000051.4).
Identifiers: ClinVar variation 420524 (VCV000420524.17), dbSNP rs1064794534, ClinGen allele CA16619263.

ClinVar aggregate classification (germline): Likely benign. Review status: criteria provided, multiple submitters, no conflicts (2 of 4 stars). 5 submissions from 5 submitters: Likely benign (5). Last evaluated 2025-11-20.

Conditions:
Hereditary cancer-predisposing syndrome. Also called: Neoplastic Syndromes, Hereditary; Hereditary Cancer Syndrome; Tumor predisposition; Hereditary neoplastic syndrome. Identifiers: Orphanet 140162, MedGen C0027672, MeSH D009386, MONDO:0015356.
Familial cancer of breast. Also called: Hereditary breast cancer; BREAST CANCER, FAMILIAL; hereditary breast carcinoma. Identifiers: Orphanet 227535, MedGen C0346153, MONDO:0016419, OMIM 114480. Disease mechanism: loss of function.
Ataxia-telangiectasia syndrome (AT). Also called: LOUIS-BAR SYNDROME; Cerebello-oculocutaneous telangiectasia; Immunodeficiency with ataxia telangiectasia; Ataxia-telangiectasia, complementation group D; AT, COMPLEMENTATION GROUP C; Ataxia-telangiectasia, complementation group E. Identifiers: Orphanet 100, MedGen C0004135, MONDO:0008840, OMIM 208900.

Submissions (5):

Labcorp Genetics (formerly Invitae), Labcorp
Classification: Likely benign for Ataxia-telangiectasia syndrome. Last evaluated: 2025-11-20. Review status: criteria provided, single submitter. Criteria: Invitae Variant Classification Sherloc (09022015). Collection method: clinical testing. Allele origin: germline.

Center for Genomic Medicine, Rigshospitalet, Copenhagen University Hospital
Classification: Likely benign. Last evaluated: 2025-03-04. Review status: criteria provided, single submitter. Criteria: ACMG Guidelines, 2015. Collection method: clinical testing. Allele origin: germline.

Myriad Genetics, Inc.
Classification: Likely benign for Familial cancer of breast. Last evaluated: 2024-06-20. Review status: criteria provided, single submitter. Criteria: Myriad Autosomal Dominant, Autosomal Recessive and X-Linked Classification Criteria (2023). Collection method: clinical testing. Allele origin: unknown.
Comment: This variant is considered likely benign. This variant is intronic and is not expected to impact mRNA splicing.

Color Diagnostics, LLC DBA Color Health
Classification: Likely benign for Hereditary cancer-predisposing syndrome. Last evaluated: 2019-05-08. Review status: criteria provided, single submitter. Criteria: ACMG Guidelines, 2015. Collection method: clinical testing. Allele origin: germline.

GeneDx
Classification: Likely benign. Last evaluated: 2016-02-12. Review status: criteria provided, single submitter. Criteria: GeneDx Variant Classification (06012015). Collection method: clinical testing. Allele origin: germline. Affected: yes.
Comment: This variant is considered likely benign or benign based on one or more of the following criteria: it is a conservative change, it occurs at a poorly conserved position in the protein, it is predicted to be benign by multiple in silico algorithms, and/or has population frequency not consistent with disease.